The following is an entry in ClinVar:

NM_025081.3(NYNRIN):c.3481C>T (p.Arg1161Cys)

Gene: NYNRIN (NYN domain and retroviral integrase containing; plus strand). Cytogenetic location: 14q12.
Variant type: single nucleotide variant.
Coding change: c.3481C>T on transcript NM_025081.3 (MANE Select); coding-DNA position 3481, C replaced by T.
Protein change: p.Arg1161Cys; replaces arginine 1161 with cysteine.
Molecular consequence: missense variant.
Genome position (GRCh38, 1-based): chr14:24,415,230, C>T. VCF-style: chr14-24415230-C-T. GRCh37 (hg19) VCF-style: chr14-24884436-C-T.
Other names: short protein forms R1161C.
Identifiers: ClinVar variation 2222800 (VCV002222800.4), dbSNP rs777661158, ClinGen allele CA7137249.

ClinVar aggregate classification (germline): Uncertain significance. Review status: criteria provided, multiple submitters, no conflicts (2 of 4 stars). 2 submissions from 2 submitters: Uncertain significance (2). Last evaluated 2024-09-21.

Allele frequency attached by ClinVar (database versions not stated): gnomAD 0.00005; gnomAD exomes 0.00007; TOPMed 0.00007; ExAC 0.00009.
gnomAD v4.1: 110 of 1,613,030 alleles (0.0068%); highest among the groups gnomAD compares: Middle Eastern, 0.049%; no homozygotes.

Submissions (2):

Labcorp Genetics (formerly Invitae), Labcorp
Classification: Uncertain significance. Last evaluated: 2024-09-21. Review status: criteria provided, single submitter. Criteria: Invitae Variant Classification Sherloc (09022015). Collection method: clinical testing. Allele origin: germline.
Comment: This sequence change replaces arginine, which is basic and polar, with cysteine, which is neutral and slightly polar, at codon 1161 of the NYNRIN protein (p.Arg1161Cys). This variant is present in population databases (rs777661158, gnomAD 0.02%). This variant has not been reported in the literature in individuals affected with NYNRIN-related conditions. ClinVar contains an entry for this variant (Variation ID: 2222800). Experimental studies and prediction algorithms are not available or were not evaluated, and the functional significance of this variant is currently unknown. In summary, the available evidence is currently insufficient to determine the role of this variant in disease. Therefore, it has been classified as a Variant of Uncertain Significance.

Ambry Genetics
Classification: Uncertain significance. Last evaluated: 2021-08-30. Review status: criteria provided, single submitter. Criteria: Ambry Variant Classification Scheme 2023. Collection method: clinical testing. Allele origin: germline.